The following is an entry in ClinVar:

ClinVar aggregate classification (germline): Likely pathogenic (1 of 4 stars; one submission).

Conditions:
Arrhythmogenic cardiomyopathy with variable ectodermal abnormalities (ARCME). Identifiers: MedGen C5882696, MONDO:0957795, OMIM 620519.

Submission:

3billion
Classification: Likely pathogenic for Arrhythmogenic cardiomyopathy with variable ectodermal abnormalities. Last evaluated: 2024-06-21. Review status: criteria provided, single submitter. Criteria: ACMG Guidelines, 2015. Collection method: clinical testing. Allele origin: germline. Affected: yes.
Comment: The variant is observed at an extremely low frequency in the gnomAD v4.0.0 dataset (total allele frequency: <0.001%). Predicted Consequence/Location: Frameshift: predicted to result in a loss or disruption of normal protein function through nonsense-mediated decay (NMD) or protein truncation. Multiple pathogenic variants are reported downstream of the variant. Therefore, this variant is classified as Likely pathogenic according to the recommendation of ACMG/AMP guideline.

NM_006663.4(PPP1R13L):c.1668del (p.Pro557fs)

Gene: PPP1R13L (protein phosphatase 1 regulatory subunit 13 like; minus strand). Cytogenetic location: 19q13.32.
Variant type: Deletion.
Coding change: c.1668del on transcript NM_006663.4 (MANE Select); coding-DNA position 1668, one base deleted (G; older notation c.1668delG).
Protein change: p.Pro557fs; shifts the reading frame from proline 557.
Molecular consequence: frameshift variant.
Genome position (GRCh38, 1-based): chr19:45,392,027, C deleted on the plus strand (G on the coding strand, the reverse complement: PPP1R13L is on the minus strand); the first of 6 consecutive C bases (chr19:45,392,027-45,392,032); deleting any one gives the same sequence. VCF-style (leftmost placement, unchanged base first): chr19-45392026-GC-G. GRCh37 (hg19) VCF-style: chr19-45895284-GC-G.
Other names: c.1668del, p.Pro557fs (NM_001142502.2); short protein forms P557fs.
Identifiers: ClinVar variation 4072284 (VCV004072284.2).